The following is an entry in ClinVar:

NM_000179.3(MSH6):c.2248A>G (p.Thr750Ala)

Gene: MSH6 (mutS homolog 6; plus strand). Cytogenetic location: 2p16.3.
Variant type: single nucleotide variant.
Coding change: c.2248A>G on transcript NM_000179.3 (MANE Select); coding-DNA position 2248, A replaced by G.
Protein change: p.Thr750Ala; replaces threonine 750 with alanine.
Molecular consequence: missense variant. On other transcripts: non-coding transcript variant (5), intron variant (2).
Genome position (GRCh38, 1-based): chr2:47,800,231, A>G. VCF-style: chr2-47800231-A-G. GRCh37 (hg19) VCF-style: chr2-48027370-A-G.
Other names: c.1858A>G, p.Thr620Ala (NM_001281492.2); c.1342A>G, p.Thr448Ala (NM_001281493.2, NM_001281494.2, NM_001406811.1 and 6 more transcripts); c.2344A>G, p.Thr782Ala (NM_001406795.1, NM_001406802.1); c.2248A>G, p.Thr750Ala (NM_001406796.1, NM_001406798.1, NM_001406800.1 and 3 more transcripts); c.1951A>G, p.Thr651Ala (NM_001406797.1, NM_001406801.1, NM_001406805.1 and 10 more transcripts); c.1723A>G, p.Thr575Ala (NM_001406799.1, NM_001406806.1, NM_001406807.1); c.2170A>G, p.Thr724Ala (NM_001406804.1); c.2254A>G, p.Thr752Ala (NM_001406813.1); and 3 more; short protein forms T448A, T575A, T620A, T651A, T694A, T724A, T750A, T752A.
Identifiers: ClinVar variation 4800212 (VCV004800212.1).

ClinVar aggregate classification (germline): Uncertain significance (1 of 4 stars; one submission).

Conditions:
Hereditary nonpolyposis colorectal neoplasms. Identifiers: MedGen C0009405, MeSH D003123.

Submission:

Labcorp Genetics (formerly Invitae), Labcorp
Classification: Uncertain significance for Hereditary nonpolyposis colorectal neoplasms. Last evaluated: 2025-05-05. Review status: criteria provided, single submitter. Criteria: Invitae Variant Classification Sherloc (09022015). Collection method: clinical testing. Allele origin: germline.
Comment: This sequence change replaces threonine, which is neutral and polar, with alanine, which is neutral and non-polar, at codon 750 of the MSH6 protein (p.Thr750Ala). This variant is not present in population databases (gnomAD no frequency). This variant has not been reported in the literature in individuals affected with MSH6-related conditions. Invitae Evidence Modeling of protein sequence and biophysical properties (such as structural, functional, and spatial information, amino acid conservation, physicochemical variation, residue mobility, and thermodynamic stability) indicates that this missense variant is not expected to disrupt MSH6 protein function with a negative predictive value of 95%. In summary, the available evidence is currently insufficient to determine the role of this variant in disease. Therefore, it has been classified as a Variant of Uncertain Significance.